The following is an entry in ClinVar:

NM_005141.5(FGB):c.508A>C (p.Asn170His)

Gene: FGB (fibrinogen beta chain; plus strand). Cytogenetic location: 4q31.3.
Variant type: single nucleotide variant.
Coding change: c.508A>C on transcript NM_005141.5 (MANE Select); coding-DNA position 508, A replaced by C.
Protein change: p.Asn170His; replaces asparagine 170 with histidine.
Molecular consequence: missense variant.
Genome position (GRCh38, 1-based): chr4:154,567,610, A>C. VCF-style: chr4-154567610-A-C. GRCh37 (hg19) VCF-style: chr4-155488762-A-C.
Other names: c.331A>C, p.Asn111His (NM_001184741.1); c.376A>C, p.Asn126His (NM_001382759.1); c.508A>C, p.Asn170His (NM_001382760.1, NM_001382761.1, NM_001382762.1 and 3 more transcripts); short protein forms N126H, N111H, N170H.
Identifiers: ClinVar variation 4743802 (VCV004743802.1).

ClinVar aggregate classification (germline): Uncertain significance (1 of 4 stars; one submission).

Submission:

Labcorp Genetics (formerly Invitae), Labcorp
Classification: Uncertain significance. Last evaluated: 2025-07-01. Review status: criteria provided, single submitter. Criteria: Invitae Variant Classification Sherloc (09022015). Collection method: clinical testing. Allele origin: germline.
Comment: This sequence change replaces asparagine, which is neutral and polar, with histidine, which is basic and polar, at codon 170 of the FGB protein (p.Asn170His). This variant is present in population databases (rs2227409, gnomAD 0.03%). This variant has not been reported in the literature in individuals affected with FGB-related conditions. Invitae Evidence Modeling of protein sequence and biophysical properties (such as structural, functional, and spatial information, amino acid conservation, physicochemical variation, residue mobility, and thermodynamic stability) indicates that this missense variant is not expected to disrupt FGB protein function with a negative predictive value of 80%. In summary, the available evidence is currently insufficient to determine the role of this variant in disease. Therefore, it has been classified as a Variant of Uncertain Significance.